The following is an entry in ClinVar:

ClinVar aggregate classification (germline): Benign/Likely benign. Review status: criteria provided, multiple submitters, no conflicts (2 of 4 stars). 9 submissions from 9 submitters: Benign (3); Likely benign (5). 1 of the submissions does not count toward it. Last evaluated 2025-09-17.

Conditions:
TSC2-related disorder. Also called: TSC2-related condition; TSC2-Related Disorders.
Tuberous sclerosis syndrome (TSC). Also called: Tuberous Sclerosis Complex; Tuberous sclerosis. Identifiers: Orphanet 805, MedGen C0041341, MONDO:0001734.
Hereditary cancer-predisposing syndrome. Also called: Tumor predisposition; Neoplastic Syndromes, Hereditary; Hereditary Cancer Syndrome; Hereditary neoplastic syndrome. Identifiers: Orphanet 140162, MedGen C0027672, MeSH D009386, MONDO:0015356.
Tuberous sclerosis 2 (TSC2). Identifiers: Orphanet 805, MedGen C1860707, MONDO:0013199, OMIM 613254.

Allele frequency attached by ClinVar (database versions not stated): gnomAD exomes below 0.00001; TOPMed below 0.00001; ExAC 0.00001.
gnomAD v4.1: 7 of 1,614,138 alleles (0.00043%); highest among the groups gnomAD compares: Non-Finnish European, 0.00051%; no homozygotes.

Submissions (9):

Labcorp Genetics (formerly Invitae), Labcorp
Classification: Likely benign for Tuberous sclerosis 2. Last evaluated: 2025-09-17. Review status: criteria provided, single submitter. Criteria: Invitae Variant Classification Sherloc (09022015). Collection method: clinical testing. Allele origin: germline.

Myriad Genetics, Inc.
Classification: Benign for Tuberous sclerosis 2. Last evaluated: 2025-05-19. Review status: criteria provided, single submitter. Criteria: Myriad Autosomal Dominant, Autosomal Recessive and X-Linked Classification Criteria (2023). Collection method: clinical testing. Allele origin: unknown.
Comment: This variant is considered benign. This variant is a silent/synonymous amino acid change and it is not expected to impact splicing.

KCCC/NGS Laboratory, Kuwait Cancer Control Center
Classification: Benign for Tuberous sclerosis 2. Last evaluated: 2025-02-01. Review status: criteria provided, single submitter. Criteria: ACMG Guidelines, 2015. Collection method: clinical testing. Allele origin: germline. Affected: no.

All of Us Research Program, National Institutes of Health
Classification: Likely benign for Tuberous sclerosis syndrome. Last evaluated: 2023-04-10. Review status: criteria provided, single submitter. Criteria: ACMG Guidelines, 2015. Collection method: clinical testing. Allele origin: germline. Inheritance: Autosomal dominant inheritance. Observed: 3 variant alleles, 3 heterozygotes.
Comment: This study involves interpretation of variants in research participants for the purpose of population health screening. Participant phenotype was not available at the time of variant classification. Additional details can be found in publication PMID: 35346344, PMCID: PMC8962531

Color Diagnostics, LLC DBA Color Health
Classification: Likely benign for Tuberous sclerosis syndrome. Last evaluated: 2022-09-24. Review status: criteria provided, single submitter. Criteria: ACMG Guidelines, 2015. Collection method: clinical testing. Allele origin: germline.

Genome-Nilou Lab
Classification: Benign for Tuberous sclerosis 2. Last evaluated: 2021-11-07. Review status: criteria provided, single submitter. Criteria: ACMG Guidelines, 2015. Collection method: clinical testing. Allele origin: germline. Affected: no.

Ambry Genetics
Classification: Likely benign for Hereditary cancer-predisposing syndrome. Last evaluated: 2018-09-25. Review status: criteria provided, single submitter. Criteria: Ambry Variant Classification Scheme 2023. Collection method: clinical testing. Allele origin: germline.

GeneDx
Classification: Likely benign. Last evaluated: 2018-05-15. Review status: criteria provided, single submitter. Criteria: GeneDx Variant Classification (06012015). Collection method: clinical testing. Allele origin: germline. Affected: yes.
Comment: This variant is considered likely benign or benign based on one or more of the following criteria: it is a conservative change, it occurs at a poorly conserved position in the protein, it is predicted to be benign by multiple in silico algorithms, and/or has population frequency not consistent with disease.

PreventionGenetics, part of Exact Sciences
Classification: Likely benign for TSC2-related condition. Last evaluated: 2022-06-10. Review status: no assertion criteria provided. Collection method: clinical testing. Allele origin: germline. Not counted in ClinVar's aggregate classification.
Comment: This variant is classified as likely benign based on ACMG/AMP sequence variant interpretation guidelines (Richards et al. 2015 PMID: 25741868, with internal and published modifications).

NM_000548.5(TSC2):c.2193C>T (p.Asp731=)

Gene: TSC2 (TSC complex subunit 2; plus strand). Cytogenetic location: 16p13.3.
Variant type: single nucleotide variant.
Coding change: c.2193C>T on transcript NM_000548.5 (MANE Select); coding-DNA position 2193, C replaced by T.
Protein change: p.Asp731=; no amino-acid change (aspartic acid 731 retained).
Molecular consequence: synonymous variant.
Genome position (GRCh38, 1-based): chr16:2,072,336, C>T. VCF-style: chr16-2072336-C-T. GRCh37 (hg19) VCF-style: chr16-2122337-C-T.
Other names: c.2193C>T, p.Asp731= (NM_001077183.3, NM_001114382.3, NM_001363528.2 and 3 more transcripts); c.2082C>T, p.Asp694= (NM_001318827.2); c.2046C>T, p.Asp682= (NM_001318829.2); c.1593C>T, p.Asp531= (NM_001318831.2); c.2226C>T, p.Asp742= (NM_001318832.2); c.2193C>T (NM_000548.4).
Identifiers: ClinVar variation 413687 (VCV000413687.26), dbSNP rs760053529, ClinGen allele CA037048.